The following is an entry in ClinVar:

ClinVar aggregate classification (germline): Uncertain significance (1 of 4 stars; one submission).

Conditions:
Charcot-Marie-Tooth disease axonal type 2V. Also called: CHARCOT-MARIE-TOOTH NEUROPATHY, TYPE 2V; CHARCOT-MARIE-TOOTH DISEASE, AXONAL, AUTOSOMAL DOMINANT, TYPE 2V. Identifiers: Orphanet 447964, MedGen C5569050, MONDO:0014665, OMIM 616491.
Mucopolysaccharidosis, MPS-III-B (MPS3B). Also called: N-ACETYL-ALPHA-D-GLUCOSAMINIDASE DEFICIENCY; NAGLU DEFICIENCY; SANFILIPPO SYNDROME B; MPS III B; MUCOPOLYSACCHARIDOSIS, TYPE IIIB; MPS IIIB (Sanfilippo Syndrome Type B). Identifiers: Orphanet 79270, MedGen C0086648, MONDO:0009656, OMIM 252920.

Submission:

Labcorp Genetics (formerly Invitae), Labcorp
Classification: Uncertain significance for Charcot-Marie-Tooth disease axonal type 2V; Mucopolysaccharidosis, MPS-III-B. Last evaluated: 2022-04-13. Review status: criteria provided, single submitter. Criteria: Invitae Variant Classification Sherloc (09022015). Collection method: clinical testing. Allele origin: germline.
Comment: This sequence change replaces alanine, which is neutral and non-polar, with threonine, which is neutral and polar, at codon 627 of the NAGLU protein (p.Ala627Thr). In summary, the available evidence is currently insufficient to determine the role of this variant in disease. Therefore, it has been classified as a Variant of Uncertain Significance. Advanced modeling of protein sequence and biophysical properties (such as structural, functional, and spatial information, amino acid conservation, physicochemical variation, residue mobility, and thermodynamic stability) performed at Invitae indicates that this missense variant is not expected to disrupt NAGLU protein function. This variant has not been reported in the literature in individuals affected with NAGLU-related conditions. This variant is not present in population databases (gnomAD no frequency).

NM_000263.4(NAGLU):c.1879G>A (p.Ala627Thr)

Gene: NAGLU (N-acetyl-alpha-glucosaminidase; plus strand). Cytogenetic location: 17q21.2.
Variant type: single nucleotide variant.
Coding change: c.1879G>A on transcript NM_000263.4 (MANE Select); coding-DNA position 1879, G replaced by A.
Protein change: p.Ala627Thr; replaces alanine 627 with threonine.
Molecular consequence: missense variant.
Genome position (GRCh38, 1-based): chr17:42,543,885, G>A. VCF-style: chr17-42543885-G-A. GRCh37 (hg19) VCF-style: chr17-40695903-G-A.
Other names: short protein forms A627T.
Identifiers: ClinVar variation 2110071 (VCV002110071.4), dbSNP rs2510660514, ClinGen allele CA399605325.